The following is an entry in ClinVar:

ClinVar aggregate classification (germline): Uncertain significance (1 of 4 stars; one submission).

Submission:

GeneDx
Classification: Uncertain significance. Last evaluated: 2018-09-04. Review status: criteria provided, single submitter. Criteria: GeneDx Variant Classification (06012015). Collection method: clinical testing. Allele origin: germline. Affected: yes.
Comment: The I185T variant in the FMR1 gene has not been reported previously as a pathogenic variant, nor as a benign variant, to our knowledge. The I185T variant is not observed in large population cohorts (Lek et al., 2016; 1000 Genomes Consortium et al., 2015; Exome Variant Server). The I185T variant is a non-conservative amino acid substitution, which occurs at a position that is conserved in mammals. In silico analysis is inconsistent in its predictions as to whether or not the variant is damaging to the protein structure/function. We interpret I185T as a variant of uncertain significance.

NM_002024.6(FMR1):c.554T>C (p.Ile185Thr)

Gene: FMR1 (fragile X messenger ribonucleoprotein 1; plus strand). Cytogenetic location: Xq27.3.
Variant type: single nucleotide variant.
Coding change: c.554T>C on transcript NM_002024.6 (MANE Select); coding-DNA position 554, T replaced by C.
Protein change: p.Ile185Thr; replaces isoleucine 185 with threonine.
Molecular consequence: missense variant. On other transcripts: non-coding transcript variant (2).
Genome position (GRCh38, 1-based): chrX:147,930,168, T>C. VCF-style: chrX-147930168-T-C. GRCh37 (hg19) VCF-style: chrX-147011687-T-C.
Other names: c.554T>C, p.Ile185Thr (NM_001185075.2, NM_001185076.2, NM_001185081.2 and 1 more transcripts); short protein forms I185T.
Identifiers: ClinVar variation 451618 (VCV000451618.2), dbSNP rs1557178445, ClinGen allele CA414438535.